The following is an entry in ClinVar:

ClinVar aggregate classification (germline): Conflicting classifications of pathogenicity. Review status: criteria provided, conflicting classifications (1 of 4 stars). 3 submissions from 3 submitters: Uncertain significance (1); Likely benign (1). 1 of the submissions does not count toward it. Last evaluated 2026-08-06.

Conditions:
ITGA3-related disorder. Also called: ITGA3-related condition.

Allele frequency attached by ClinVar (database versions not stated): gnomAD 0.00013; TOPMed 0.00031; 1000 Genomes Project 0.00040; gnomAD exomes 0.00074; 1000 Genomes Project 30x 0.00047; ExAC 0.00050.

Submissions (3):

GeneDx
Classification: Uncertain significance. Last evaluated: 2026-08-06. Review status: criteria provided, single submitter. Criteria: GeneDx Variant Classification Process June 2021. Collection method: clinical testing. Allele origin: germline.
Comment: In silico analysis supports that this missense variant has a deleterious effect on protein structure/function; Has not been previously published as pathogenic or benign to our knowledge

Labcorp Genetics (formerly Invitae), Labcorp
Classification: Likely benign. Last evaluated: 2026-01-12. Review status: criteria provided, single submitter. Criteria: Invitae Variant Classification Sherloc (09022015). Collection method: clinical testing. Allele origin: germline.

PreventionGenetics, part of Exact Sciences
Classification: Likely benign for ITGA3-related condition. Last evaluated: 2021-08-19. Review status: no assertion criteria provided. Collection method: clinical testing. Allele origin: germline. Not counted in ClinVar's aggregate classification.
Comment: This variant is classified as likely benign based on ACMG/AMP sequence variant interpretation guidelines (Richards et al. 2015 PMID: 25741868, with internal and published modifications).

NM_002204.4(ITGA3):c.2326G>T (p.Gly776Trp)

Gene: ITGA3 (integrin subunit alpha 3; plus strand). Cytogenetic location: 17q21.33.
Variant type: single nucleotide variant.
Coding change: c.2326G>T on transcript NM_002204.4 (MANE Select); coding-DNA position 2326, G replaced by T.
Protein change: p.Gly776Trp; replaces glycine 776 with tryptophan.
Molecular consequence: missense variant.
Genome position (GRCh38, 1-based): chr17:50,078,852, G>T. VCF-style: chr17-50078852-G-T. GRCh37 (hg19) VCF-style: chr17-48156216-G-T.
Other names: c.2326G>T (NM_002204.2); short protein forms G776W.
Identifiers: ClinVar variation 708150 (VCV000708150.13), dbSNP rs542802167, ClinGen allele CA8641903.